The following is an entry in ClinVar:

ClinVar aggregate classification (germline): Uncertain significance (0 of 4 stars; one submission).

Conditions:
Carcinoma of colon (CRC). Also called: Colonic carcinoma; Colon carcinoma. Identifiers: MedGen C0699790, MONDO:0002032.

Allele frequency attached by ClinVar (database versions not stated): gnomAD exomes below 0.00001.
gnomAD v4.1: 1 of 1,610,398 alleles (0.000062%); highest among the groups gnomAD compares: South Asian, 0.0011%; no homozygotes.

Submission:

Immunobiology Lab; University of Kashmir
Classification: Uncertain significance for Carcinoma of colon. Last evaluated: 2014-05-07. Review status: no assertion criteria provided. Collection method: case-control. Allele origin: somatic. Affected: yes. Study: Mutational Hotspot profiling of Tyrosine Kinase domain of VEGF receptors in Human colorectal tumors.
Comment: The variation(s) were confirmed by double pass sequencing of PCR products amplified from genomic DNA of colonic lesions fron colorectal patients

NM_182925.5(FLT4):c.2407-7C>T

Genes: FLT4 (fms related receptor tyrosine kinase 4; minus strand), LOC126807632 (CDK7 strongly-dependent group 2 enhancer GRCh37_chr5:180046831-180048030; plus strand). Cytogenetic location: 5q35.3.
Variant type: single nucleotide variant.
Coding change: c.2407-7C>T on transcript NM_182925.5 (MANE Select); 7 bases into the intron before coding-DNA position 2407, C replaced by T.
Molecular consequence: intron variant.
Genome position (GRCh38, 1-based): chr5:180,620,315, G>A on the plus strand (C>T on the coding strand, the complement: FLT4 is on the minus strand). VCF-style: chr5-180620315-G-A. GRCh37 (hg19) VCF-style: chr5-180047315-G-A.
Other names: KM484820; c.2407-7C>T (NM_001354989.2, NM_002020.5).
Identifiers: ClinVar variation 204351 (VCV000204351.3), dbSNP rs796052108, ClinGen allele CA251291.